The following is an entry in ClinVar:

ClinVar aggregate classification (germline): Uncertain significance (1 of 4 stars; one submission).

Submission:

Women's Health and Genetics/Laboratory Corporation of America, LabCorp
Classification: Uncertain significance. Last evaluated: 2026-03-26. Review status: criteria provided, single submitter. Criteria: LabCorp Variant Classification Summary - May 2015. Collection method: clinical testing. Allele origin: germline.
Comment: Variant summary: The variant involves the deletion of exon 3 in the TM4SF20 gene. A presumed nomenclature of c.(249+1_250-1)_(401+1_402-1)del has been designated for the purposes of this classification. This Copy Number Variant (CNV) is expected to alter the reading frame and predicted to result in a truncation of the encoded protein, which is not subject to nonsense mediated decay (NMD). Current evidence is not sufficient to establish loss of function as a mechanism for disease. The variant allele was found at a frequency of 0.00069 in 21694 control chromosomes in the gnomAD database (SVs v2.1), including 1 homozygote and 15 heterozygotes. This frequency is not significantly higher than estimated for disease-causing variants in TM4SF20, allowing no conclusion about variant significance. A similar exon 3 deletion, co-occurring with a microdeletion at 2q24.2 associated with 2q24.2 Microdeletion syndrome, has been observed in at-least one individual with unspecified conditions (Chau_2025). These report(s) do not provide unequivocal conclusions about association of the variant with Specific Language Impairment 5. A complex genomic rearrangement "4-KB DEL", consist of a 2.3-kb deletion, a 1.7-kb deletion and a ~100 bp insertion in bwteen at this locus, reassembles the exon 3 deletion in TM4SF20, but the pathogenicity of the 4-KB DEL remains inconclusive due to the high allele frequence in the Vietnamese (PMID 23810381). At least one publication reports experimental evidence evaluating an impact on protein function, the exon 3 deletion resulted in no NMD but mislocalized consistently to the cytoplasm in the Neuro-2a mouse neuroblastoma cells (Wiszniewski_2013). Such findings however, does not allow convincing conclusions about the variant effect. The following publications have been ascertained in the context of this evaluation (PMID: 39749505, 23810381). ClinVar contains an entry for this variant (Variation ID: 1412472). Based on the evidence outlined above, the variant was classified as uncertain significance.

Literature cited by the submitters: PubMed 39749505; PubMed 23810381.

NC_000002.11:g.(228228729_228230808)_(228230961_228235630)del

Gene: TM4SF20 (transmembrane 4 L six family member 20; minus strand). Cytogenetic location: 2q36.3.
Variant type: Deletion.
Identifiers: ClinVar variation 4847665 (VCV004847665.1).